The following is an entry in ClinVar:

NM_020800.3(IFT80):c.1076+1G>A

Genes: TRIM59-IFT80 (TRIM59-IFT80 readthrough (NMD candidate); minus strand), IFT80 (intraflagellar transport 80; minus strand). Cytogenetic location: 3q25.33.
Variant type: single nucleotide variant.
Coding change: c.1076+1G>A on transcript NM_020800.3 (MANE Select); the canonical splice donor site of the intron after coding-DNA position 1076, G replaced by A.
Molecular consequence: splice donor variant.
Genome position (GRCh38, 1-based): chr3:160,307,662, C>T on the plus strand (G>A on the coding strand, the complement: IFT80 is on the minus strand). VCF-style: chr3-160307662-C-T. GRCh37 (hg19) VCF-style: chr3-160025450-C-T.
Other names: c.665+1G>A (NM_001190241.2, NM_001190242.2).
Identifiers: ClinVar variation 2176592 (VCV002176592.5), dbSNP rs2275152, ClinGen allele CA2685278.

ClinVar aggregate classification (germline): Likely pathogenic (1 of 4 stars; one submission).

Conditions:
Jeune thoracic dystrophy. Also called: Infantile thoracic dystrophy; Thoracic pelvic phalangeal dystrophy; Jeune's syndrome; Chondroectodermal dysplasia-like syndrome; Short-rib thoracic dysplasia; Jeune syndrome. Identifiers: Orphanet 474, MedGen C0265275, MONDO:0018770.

Allele frequency attached by ClinVar (database versions not stated): gnomAD 0.00001; gnomAD exomes 0.00001; ExAC 0.00002; TOPMed 0.00003; 1000 Genomes Project 30x 0.00016; 1000 Genomes Project 0.00020.
gnomAD v4.1: 9 of 1,439,930 alleles (0.00063%); highest among the groups gnomAD compares: East Asian, 0.0045%; no homozygotes.

Submissions (2):

Labcorp Genetics (formerly Invitae), Labcorp
Classification: Likely pathogenic for Jeune thoracic dystrophy. Last evaluated: 2025-01-23. Review status: criteria provided, single submitter. Criteria: Invitae Variant Classification Sherloc (09022015). Collection method: clinical testing. Allele origin: germline.
Comment: This sequence change affects a donor splice site in intron 10 of the IFT80 gene. It is expected to disrupt RNA splicing. Variants that disrupt the donor or acceptor splice site typically lead to a loss of protein function (PMID: 16199547), and loss-of-function variants in IFT80 are known to be pathogenic (PMID: 21227999, 23339108, 29068549). This variant is present in population databases (rs2275152, gnomAD 0.007%). This variant has not been reported in the literature in individuals affected with IFT80-related conditions. ClinVar contains an entry for this variant (Variation ID: 2176592). Algorithms developed to predict the effect of sequence changes on RNA splicing suggest that this variant may disrupt the consensus splice site. In summary, the currently available evidence indicates that the variant is pathogenic, but additional data are needed to prove that conclusively. Therefore, this variant has been classified as Likely Pathogenic.

Dr. Peter K. Rogan Lab, Western University
No classification provided (evidence only). Condition: Familial cancer of breast. Review status: no classification provided. Collection method: in vitro. Allele origin: not applicable. Functional consequence: skipped exon. Not counted in ClinVar's aggregate classification.

Literature cited by the submitters: PubMed 16199547 (cited by Labcorp Genetics (formerly Invitae), Labcorp); PubMed 21227999 (cited by Labcorp Genetics (formerly Invitae), Labcorp); PubMed 23339108 (cited by Labcorp Genetics (formerly Invitae), Labcorp); PubMed 29068549 (cited by Labcorp Genetics (formerly Invitae), Labcorp).